The following is an entry in ClinVar:

ClinVar aggregate classification (germline): Likely benign (0 of 4 stars; one submission).

Conditions:
CIT-related disorder. Also called: CIT-related condition.

Allele frequency attached by ClinVar (database versions not stated): TOPMed below 0.00001; gnomAD 0.00001.
gnomAD v4.1: 17 of 1,607,156 alleles (0.0011%); highest among the groups gnomAD compares: East Asian, 0.0045%; no homozygotes.

Submission:

PreventionGenetics, part of Exact Sciences
Classification: Likely benign for CIT-related condition. Last evaluated: 2019-04-15. Review status: no assertion criteria provided. Collection method: clinical testing. Allele origin: germline.
Comment: This variant is classified as likely benign based on ACMG/AMP sequence variant interpretation guidelines (Richards et al. 2015 PMID: 25741868, with internal and published modifications).

NM_001206999.2(CIT):c.5151C>T (p.Pro1717=)

Gene: CIT (citron rho-interacting serine/threonine kinase; minus strand). Cytogenetic location: 12q24.23.
Variant type: single nucleotide variant.
Coding change: c.5151C>T on transcript NM_001206999.2 (MANE Select); coding-DNA position 5151, C replaced by T.
Protein change: p.Pro1717=; no amino-acid change (proline 1717 retained).
Molecular consequence: synonymous variant.
Genome position (GRCh38, 1-based): chr12:119,708,239, G>A on the plus strand (C>T on the coding strand, the complement: CIT is on the minus strand). VCF-style: chr12-119708239-G-A. GRCh37 (hg19) VCF-style: chr12-120146044-G-A.
Other names: c.5025C>T, p.Pro1675= (NM_007174.3).
Identifiers: ClinVar variation 3058587 (VCV003058587.2), dbSNP rs748717608, ClinGen allele CA6820987.